The following is an entry in ClinVar:

NM_015443.4(KANSL1):c.1650C>T (p.Asn550=)

Gene: KANSL1 (KAT8 regulatory NSL complex subunit 1). Cytogenetic location: 17q21.31.
Variant type: single nucleotide variant.
Coding change: c.1650C>T on transcript NM_015443.4 (MANE Select); coding-DNA position 1650, C replaced by T.
Protein change: p.Asn550=; no amino-acid change (asparagine 550 retained).
Molecular consequence: synonymous variant.
Genome position (GRCh38, 1-based): chr17:46,067,551, G>A on the plus strand (C>T on the coding strand, the complement: KANSL1 is on the minus strand). VCF-style: chr17-46067551-G-A. GRCh37 (hg19) VCF-style: chr17-44144917-G-A.
Other names: c.1650C>T, p.Asn550= (NM_001193465.2, NM_001193466.2, NM_001379198.1).
Identifiers: ClinVar variation 391152 (VCV000391152.1), dbSNP rs1057523989, ClinGen allele CA16607305.

ClinVar aggregate classification (germline): Likely benign (1 of 4 stars; one submission).

Submission:

GeneDx
Classification: Likely benign. Last evaluated: 2018-03-08. Review status: criteria provided, single submitter. Criteria: GeneDx Variant Classification (06012015). Collection method: clinical testing. Allele origin: germline. Affected: yes.
Comment: This variant is considered likely benign or benign based on one or more of the following criteria: it is a conservative change, it occurs at a poorly conserved position in the protein, it is predicted to be benign by multiple in silico algorithms, and/or has population frequency not consistent with disease.